The following is an entry in ClinVar:

ClinVar aggregate classification (germline): Conflicting classifications of pathogenicity. Review status: criteria provided, conflicting classifications (1 of 4 stars). 3 submissions from 3 submitters: Likely pathogenic (2); Uncertain significance (1). Last evaluated 2024-06-26.

Conditions:
Hemochromatosis type 3 (HFE3). Also called: HEMOCHROMATOSIS DUE TO DEFECT IN TRANSFERRIN RECEPTOR 2; TFR2-Related Hemochromatosis; Hereditary hemochromatosis type 3. Identifiers: Orphanet 225123, MedGen C1858664, MONDO:0011417, OMIM 604250.
Hereditary hemochromatosis (HFE). Identifiers: MedGen C0392514, MONDO:0006507. Disease mechanism: loss of function.

Allele frequency attached by ClinVar (database versions not stated): gnomAD 0.00001.
gnomAD v4.1: 2 of 1,547,832 alleles (0.00013%); highest among the groups gnomAD compares: East Asian, 0.0024%; no homozygotes.

Submissions (3):

Labcorp Genetics (formerly Invitae), Labcorp
Classification: Uncertain significance for Hereditary hemochromatosis. Last evaluated: 2024-06-26. Review status: criteria provided, single submitter. Criteria: Invitae Variant Classification Sherloc (09022015). Collection method: clinical testing. Allele origin: germline.
Comment: This sequence change replaces aspartic acid, which is acidic and polar, with tyrosine, which is neutral and polar, at codon 680 of the TFR2 protein (p.Asp680Tyr). This variant is present in population databases (no rsID available, gnomAD 0.06%). This missense change has been observed in individual(s) with hereditary hemochromatosis (PMID: 34946929). ClinVar contains an entry for this variant (Variation ID: 1327995). Advanced modeling of protein sequence and biophysical properties (such as structural, functional, and spatial information, amino acid conservation, physicochemical variation, residue mobility, and thermodynamic stability) performed at Invitae indicates that this missense variant is expected to disrupt TFR2 protein function with a positive predictive value of 80%. In summary, the available evidence is currently insufficient to determine the role of this variant in disease. Therefore, it has been classified as a Variant of Uncertain Significance.

Women's Health and Genetics/Laboratory Corporation of America, LabCorp
Classification: Likely pathogenic for Hemochromatosis type 3. Last evaluated: 2023-04-28. Review status: criteria provided, single submitter. Criteria: LabCorp Variant Classification Summary - May 2015. Collection method: clinical testing. Allele origin: germline.
Comment: Variant summary: TFR2 c.2038G>T (p.Asp680Tyr) results in a non-conservative amino acid change in the encoded protein sequence. Four of five in-silico tools predict a damaging effect of the variant on protein function. The variant was absent in 152680 control chromosomes (gnomAD). c.2038G>T has been reported in the literature in individuals affected with Hemochromatosis Type 3 (Hernandez_2021). These data indicate that the variant is likely to be associated with disease. To our knowledge, no experimental evidence demonstrating an impact on protein function has been reported. The following publication has been ascertained in the context of this evaluation (PMID: 34946929). One submitter has provided a clinical-significance assessments for this variant to ClinVar after 2014 without evidence for independent evaluation. Based on the evidence outlined above, the variant was classified as likely pathogenic.

BloodGenetics
Classification: Likely pathogenic for Hemochromatosis type 3. Last evaluated: 2021-07-01. Review status: criteria provided, single submitter. Criteria: ACMG Guidelines, 2015. Collection method: research. Allele origin: germline. Affected: yes. Observed: 2 variant alleles.

Literature cited by the submitters: PubMed 34946929 (cited by 3 submitters).

NM_003227.4(TFR2):c.2038G>T (p.Asp680Tyr)

Genes: TFR2 (transferrin receptor 2; minus strand), LOC113687175 (Sharpr-MPRA regulatory region 4647; plus strand). Cytogenetic location: 7q22.1.
Variant type: single nucleotide variant.
Coding change: c.2038G>T on transcript NM_003227.4 (MANE Select); coding-DNA position 2038, G replaced by T.
Protein change: p.Asp680Tyr; replaces aspartic acid 680 with tyrosine.
Molecular consequence: missense variant.
Genome position (GRCh38, 1-based): chr7:100,626,861, C>A on the plus strand (G>T on the coding strand, the complement: TFR2 is on the minus strand). VCF-style: chr7-100626861-C-A. GRCh37 (hg19) VCF-style: chr7-100224484-C-A.
Other names: c.2038G>T (NM_003227.3); c.1525G>T, p.Asp509Tyr (NM_001206855.3); short protein forms D509Y, D680Y.
Identifiers: ClinVar variation 1327995 (VCV001327995.6), dbSNP rs1302587036, ClinGen allele CA368522954.
Genomic context (GRCh38, chr7:100,626,861, plus strand): 5'-CGTCTCTCTCCTCCGAGCTGTAGATCTCCTGCCGCAGCTTTTCCGCCGCCCGGATGTAGT[C>A]CCCCCGCGCCGAGTACACCCACTGCAGGGTCAGCCCGCGGGCCTGGGGTGGGGAGGCGCG-3'
Protein context (NP_003218.2, residues 670-690): TLQWVYSARG[Asp680Tyr]YIRAAEKLRQ